The following is an entry in ClinVar:

ClinVar aggregate classification (germline): Pathogenic (1 of 4 stars; one submission).

Submission:

GeneDx
Classification: Pathogenic. Last evaluated: 2023-07-10. Review status: criteria provided, single submitter. Criteria: GeneDx Variant Classification Process June 2021. Collection method: clinical testing. Allele origin: germline. Affected: yes.
Comment: Published functional studies demonstrate a damaging effect on enzyme activity (PMID: 31555905); Frameshift variant predicted to result in protein truncation or nonsense mediated decay in a gene for which loss of function is a known mechanism of disease; Not observed at significant frequency in large population cohorts (gnomAD); This variant is associated with the following publications: (PMID: 27000257, 31555905)

NM_001004320.2(AGMO):c.969del (p.Glu324fs)

Gene: AGMO (alkylglycerol monooxygenase; minus strand). Cytogenetic location: 7p21.2.
Variant type: Deletion.
Coding change: c.969del on transcript NM_001004320.2 (MANE Select); coding-DNA position 969, one base deleted (A; older notation c.969delA).
Protein change: p.Glu324fs; shifts the reading frame from glutamic acid 324.
Molecular consequence: frameshift variant.
Genome position (GRCh38, 1-based): chr7:15,385,551, T deleted on the plus strand (A on the coding strand, the reverse complement: AGMO is on the minus strand); the first of 3 consecutive T bases (chr7:15,385,551-15,385,553); deleting any one gives the same sequence. VCF-style (leftmost placement, unchanged base first): chr7-15385550-CT-C. GRCh37 (hg19) VCF-style: chr7-15425175-CT-C.
Other names: short protein forms E324fs.
Identifiers: ClinVar variation 3340295 (VCV003340295.1).